The following is an entry in ClinVar:

NM_018474.6(KIZ):c.1859G>A (p.Ser620Asn)

Gene: KIZ (kizuna centrosomal protein; plus strand). Cytogenetic location: 20p11.23.
Variant type: single nucleotide variant.
Coding change: c.1859G>A on transcript NM_018474.6 (MANE Select); coding-DNA position 1859, G replaced by A.
Protein change: p.Ser620Asn; replaces serine 620 with asparagine.
Molecular consequence: missense variant.
Genome position (GRCh38, 1-based): chr20:21,232,809, G>A. VCF-style: chr20-21232809-G-A. GRCh37 (hg19) VCF-style: chr20-21213447-G-A.
Other names: c.1550G>A, p.Ser517Asn (NM_001163022.3); c.1460G>A, p.Ser487Asn (NM_001163023.3); c.1712G>A, p.Ser571Asn (NM_001276389.2); c.1805G>A, p.Ser602Asn (NM_001352434.2); c.1496G>A, p.Ser499Asn (NM_001352435.2); c.1517G>A, p.Ser506Asn (NM_001352436.2); short protein forms S602N, S499N, S506N, S571N, S487N, S517N, S620N.
Identifiers: ClinVar variation 1351789 (VCV001351789.5), dbSNP rs768021926, ClinGen allele CA9785002.

ClinVar aggregate classification (germline): Uncertain significance (1 of 4 stars; one submission).

Allele frequency attached by ClinVar (database versions not stated): gnomAD 0.00001; gnomAD exomes 0.00001; TOPMed 0.00001; ExAC 0.00002.
gnomAD v4.1: 7 of 1,551,196 alleles (0.00045%); highest among the groups gnomAD compares: Admixed American, 0.0071%; no homozygotes.

Submission:

Labcorp Genetics (formerly Invitae), Labcorp
Classification: Uncertain significance. Last evaluated: 2024-01-08. Review status: criteria provided, single submitter. Criteria: Invitae Variant Classification Sherloc (09022015). Collection method: clinical testing. Allele origin: germline.
Comment: This sequence change replaces serine, which is neutral and polar, with asparagine, which is neutral and polar, at codon 620 of the KIZ protein (p.Ser620Asn). The frequency data for this variant in the population databases is considered unreliable, as metrics indicate poor data quality at this position in the gnomAD database. This variant has not been reported in the literature in individuals affected with KIZ-related conditions. ClinVar contains an entry for this variant (Variation ID: 1351789). Experimental studies and prediction algorithms are not available or were not evaluated, and the functional significance of this variant is currently unknown. In summary, the available evidence is currently insufficient to determine the role of this variant in disease. Therefore, it has been classified as a Variant of Uncertain Significance.